The following is an entry in ClinVar:

ClinVar aggregate classification (germline): Uncertain significance (1 of 4 stars; one submission).

Submission:

GeneDx
Classification: Uncertain significance. Last evaluated: 2023-05-06. Review status: criteria provided, single submitter. Criteria: GeneDx Variant Classification Process June 2021. Collection method: clinical testing. Allele origin: germline. Affected: yes.
Comment: Not observed at significant frequency in large population cohorts (gnomAD); Missense variants in this gene are often considered pathogenic (HGMD); In silico analysis supports that this missense variant has a deleterious effect on protein structure/function; Has not been previously published as pathogenic or benign to our knowledge

NM_004985.5(KRAS):c.479T>G (p.Val160Gly)

Gene: KRAS (KRAS proto-oncogene, GTPase; minus strand). Cytogenetic location: 12p12.1.
Variant type: single nucleotide variant.
Coding change: c.479T>G on transcript NM_004985.5 (MANE Select); coding-DNA position 479, T replaced by G.
Protein change: p.Val160Gly; replaces valine 160 with glycine.
Molecular consequence: missense variant. On other transcripts: 3 prime UTR variant (2).
Genome position (GRCh38, 1-based): chr12:25,209,883, A>C on the plus strand (T>G on the coding strand, the complement: KRAS is on the minus strand). VCF-style: chr12-25209883-A-C. GRCh37 (hg19) VCF-style: chr12-25362817-A-C.
Other names: c.*33T>G (NM_001369786.1, NM_033360.4); c.479T>G, p.Val160Gly (NM_001369787.1); short protein forms V160G.
Identifiers: ClinVar variation 2662065 (VCV002662065.1), dbSNP rs2548909813, ClinGen allele CA384148482.